The following is an entry in ClinVar:

NM_000268.4(NF2):c.817del (p.Ile273fs)

Gene: NF2 (NF2, moesin-ezrin-radixin like (MERLIN) tumor suppressor; plus strand). Cytogenetic location: 22q12.2.
Variant type: Deletion.
Coding change: c.817del on transcript NM_000268.4 (MANE Select); coding-DNA position 817, one base deleted (A; older notation c.817delA).
Protein change: p.Ile273fs; shifts the reading frame from isoleucine 273.
Molecular consequence: frameshift variant. On other transcripts: non-coding transcript variant (1), intron variant (1).
Genome position (GRCh38, 1-based): chr22:29,664,996, A deleted. VCF-style (leftmost placement, unchanged base first): chr22-29664995-TA-T. GRCh37 (hg19) VCF-style: chr22-30060984-TA-T.
Other names: c.703del, p.Ile235fs (NM_001407053.1, NM_001407056.1); c.694del, p.Ile232fs (NM_001407054.1, NM_001407058.1, NM_181829.3); c.691del, p.Ile231fs (NM_001407055.1, NM_181828.3); c.682del, p.Ile228fs (NM_001407057.1, NM_001407059.1); c.817del, p.Ile273fs (NM_001407060.1, NM_001407066.1, NM_016418.5 and 2 more transcripts); c.559del, p.Ile187fs (NM_001407062.1); c.568del, p.Ile190fs (NM_001407063.1, NM_001407064.1, NM_181830.3 and 1 more transcripts); c.283del, p.Ile95fs (NM_001407065.1); and 2 more; short protein forms I187fs, I196fs, I235fs, I190fs, I228fs, I231fs, I232fs, I273fs.
Identifiers: ClinVar variation 3404983 (VCV003404983.1).
Genomic context (GRCh38, chr22:29,664,995, plus strand): 5'-GCTGGTAACATTCCAGGCTGTCGGACTGAAACTGTGTTCTGCTTCATTCTTCCAGTTTAC[TA>T]TTAAACCACTGGATAAGAAAATTGATGTCTTCAAGTTTAACTCCTCAAAGCTTCGTGTTA-3'

ClinVar aggregate classification (germline): Pathogenic (1 of 4 stars; one submission).

Conditions:
Hereditary cancer-predisposing syndrome. Also called: Hereditary Cancer Syndrome; Tumor predisposition; Hereditary neoplastic syndrome; Neoplastic Syndromes, Hereditary. Identifiers: Orphanet 140162, MedGen C0027672, MeSH D009386, MONDO:0015356.

Submission:

Ambry Genetics
Classification: Pathogenic for Hereditary cancer-predisposing syndrome. Last evaluated: 2024-07-19. Review status: criteria provided, single submitter. Criteria: Ambry Variant Classification Scheme 2023. Collection method: clinical testing. Allele origin: germline.
Comment: The c.817delA pathogenic mutation, located in coding exon 9 of the NF2 gene, results from a deletion of one nucleotide at nucleotide position 817, causing a translational frameshift with a predicted alternate stop codon (p.I273Lfs*23). This variant has been observed in at least one individual with a personal and/or family history that is consistent with NF2-related schwannomatosis (Ambry internal data). This variant is considered to be rare based on population cohorts in the Genome Aggregation Database (gnomAD). This alteration is expected to result in loss of function by premature protein truncation or nonsense-mediated mRNA decay. As such, this alteration is interpreted as a disease-causing mutation.